The following is an entry in ClinVar:

ClinVar aggregate classification (germline): Uncertain significance (1 of 4 stars; one submission).

Conditions:
Cardiovascular phenotype. Identifiers: MedGen CN230736.

Submission:

Ambry Genetics
Classification: Uncertain significance for Cardiovascular phenotype. Last evaluated: 2026-08-10. Review status: criteria provided, single submitter. Criteria: Ambry Variant Classification Scheme 2023. Collection method: clinical testing. Allele origin: germline.
Comment: The p.H620Y variant (also known as c.1858C>T), located in coding exon 16 of the KCNQ1 gene, results from a C to T substitution at nucleotide position 1858. The histidine at codon 620 is replaced by tyrosine, an amino acid with similar properties. This amino acid position is conserved. In addition, the in silico prediction for this alteration is inconclusive. Based on the available evidence, the clinical significance of this variant remains unclear.

NM_000218.3(KCNQ1):c.1858C>T (p.His620Tyr)

Genes: KCNQ1 (potassium voltage-gated channel subfamily Q member 1; plus strand), KCNQ1-AS1 (KCNQ1 antisense RNA 1; minus strand). Cytogenetic location: 11p15.4.
Variant type: single nucleotide variant.
Coding change: c.1858C>T on transcript NM_000218.3 (MANE Select); coding-DNA position 1858, C replaced by T.
Protein change: p.His620Tyr; replaces histidine 620 with tyrosine.
Molecular consequence: missense variant.
Genome position (GRCh38, 1-based): chr11:2,847,830, C>T. VCF-style: chr11-2847830-C-T. GRCh37 (hg19) VCF-style: chr11-2869060-C-T.
Other names: c.1762C>T, p.His588Tyr (NM_001406836.1); c.1588C>T, p.His530Tyr (NM_001406837.1); c.1318C>T, p.His440Tyr (NM_001406838.1); c.370C>T, p.His124Tyr (NM_001406839.1); c.1477C>T, p.His493Tyr (NM_181798.2); short protein forms H440Y, H493Y, H588Y, H620Y, H530Y, H124Y.
Identifiers: ClinVar variation 5023029 (VCV005023029.1).